The following is an entry in ClinVar:

ClinVar aggregate classification (germline): Uncertain significance. Review status: criteria provided, multiple submitters, no conflicts (2 of 4 stars). 2 submissions from 2 submitters: Uncertain significance (2). Last evaluated 2025-08-02.

Conditions:
Primary immunodeficiency with post-measles-mumps-rubella vaccine viral infection. Also called: Immunodeficiency 44. Identifiers: Orphanet 431166, MedGen C4225260, MONDO:0014715, OMIM 616636.
Inborn genetic diseases. Identifiers: MedGen C0950123, MeSH D030342.

Allele frequency attached by ClinVar (database versions not stated): gnomAD exomes 0.00001 and 0.00002; ExAC 0.00002; TOPMed 0.00002; gnomAD 0.00003.
gnomAD v4.1: 32 of 1,613,856 alleles (0.002%); highest among the groups gnomAD compares: African/African-American, 0.0053%; no homozygotes.

Submissions (2):

Ambry Genetics
Classification: Uncertain significance for Inborn genetic diseases. Last evaluated: 2025-08-02. Review status: criteria provided, single submitter. Criteria: Ambry Variant Classification Scheme 2023. Collection method: clinical testing. Allele origin: germline.

Labcorp Genetics (formerly Invitae), Labcorp
Classification: Uncertain significance for Primary immunodeficiency with post-measles-mumps-rubella vaccine viral infection. Last evaluated: 2022-08-23. Review status: criteria provided, single submitter. Criteria: Invitae Variant Classification Sherloc (09022015). Collection method: clinical testing. Allele origin: germline.
Comment: In summary, the available evidence is currently insufficient to determine the role of this variant in disease. Therefore, it has been classified as a Variant of Uncertain Significance. Advanced modeling of protein sequence and biophysical properties (such as structural, functional, and spatial information, amino acid conservation, physicochemical variation, residue mobility, and thermodynamic stability) performed at Invitae indicates that this missense variant is not expected to disrupt STAT2 protein function. ClinVar contains an entry for this variant (Variation ID: 1407723). This variant has not been reported in the literature in individuals affected with STAT2-related conditions. This variant is present in population databases (rs772907846, gnomAD 0.007%). This sequence change replaces methionine, which is neutral and non-polar, with valine, which is neutral and non-polar, at codon 847 of the STAT2 protein (p.Met847Val).

NM_005419.4(STAT2):c.2539A>G (p.Met847Val)

Gene: STAT2 (signal transducer and activator of transcription 2; minus strand). Cytogenetic location: 12q13.3.
Variant type: single nucleotide variant.
Coding change: c.2539A>G on transcript NM_005419.4 (MANE Select); coding-DNA position 2539, A replaced by G.
Protein change: p.Met847Val; replaces methionine 847 with valine.
Molecular consequence: missense variant. On other transcripts: 3 prime UTR variant (1).
Genome position (GRCh38, 1-based): chr12:56,343,406, T>C on the plus strand (A>G on the coding strand, the complement: STAT2 is on the minus strand). VCF-style: chr12-56343406-T-C. GRCh37 (hg19) VCF-style: chr12-56737190-T-C.
Other names: c.2506A>G, p.Met836Val (NM_001385110.1); c.2440A>G, p.Met814Val (NM_001385111.1); c.*108A>G (NM_001385113.1); c.2518A>G, p.Met840Val (NM_001385114.1); c.2497A>G, p.Met833Val (NM_001385115.1); c.2527A>G, p.Met843Val (NM_198332.2); c.2539A>G (NM_005419.3); short protein forms M833V, M840V, M843V, M814V, M847V, M836V.
Identifiers: ClinVar variation 1407723 (VCV001407723.9), dbSNP rs772907846, ClinGen allele CA6630225.
Genomic context (GRCh38, chr12:56,343,406, plus strand): 5'-AGGAAGGGCAAGAGATATGAAAAGAACAGAGGAAATGTGGTTCCTAGAAGTCAGAAGGCA[T>C]CAAGGGTCCATCAGTGTAGAAGTGGCTGGGGCGGGAGACGTAAACCTCATCCACGGTGTT-3'
Protein context (NP_005410.1, residues 837-851): PSHFYTDGPL[Met847Val]PSDF